The following is an entry in ClinVar:

ClinVar aggregate classification (germline): Uncertain significance. Review status: criteria provided, multiple submitters, no conflicts (2 of 4 stars). 2 submissions from 2 submitters: Uncertain significance (2). Last evaluated 2022-09-01.

Allele frequency attached by ClinVar (database versions not stated): gnomAD exomes 0.00004 and 0.00016; ExAC 0.00014; gnomAD 0.00022 and 0.00023; TOPMed 0.00025; 1000 Genomes Project 30x 0.00047; 1000 Genomes Project 0.00060.
gnomAD v4.1: 142 of 1,614,066 alleles (0.0088%); highest among the groups gnomAD compares: East Asian, 0.1%; no homozygotes.

Submissions (2):

Labcorp Genetics (formerly Invitae), Labcorp
Classification: Uncertain significance. Last evaluated: 2022-09-01. Review status: criteria provided, single submitter. Criteria: Invitae Variant Classification Sherloc (09022015). Collection method: clinical testing. Allele origin: germline.
Comment: This sequence change replaces isoleucine, which is neutral and non-polar, with valine, which is neutral and non-polar, at codon 587 of the MCPH1 protein (p.Ile587Val). This variant is present in population databases (rs372378731, gnomAD 0.2%). This variant has not been reported in the literature in individuals affected with MCPH1-related conditions. ClinVar contains an entry for this variant (Variation ID: 379929). Algorithms developed to predict the effect of missense changes on protein structure and function output the following: SIFT: "Not Available"; PolyPhen-2: "Benign"; Align-GVGD: "Not Available". The valine amino acid residue is found in multiple mammalian species, which suggests that this missense change does not adversely affect protein function. In summary, the available evidence is currently insufficient to determine the role of this variant in disease. Therefore, it has been classified as a Variant of Uncertain Significance.

GeneDx
Classification: Uncertain significance. Last evaluated: 2021-07-08. Review status: criteria provided, single submitter. Criteria: GeneDx Variant Classification Process June 2021. Collection method: clinical testing. Allele origin: germline. Affected: yes.
Comment: In silico analysis supports that this missense variant does not alter protein structure/function; Has not been previously published as pathogenic or benign to our knowledge; This variant is associated with the following publications: (PMID: 27535533)

NM_024596.5(MCPH1):c.1759A>G (p.Ile587Val)

Gene: MCPH1 (microcephalin 1; plus strand). Cytogenetic location: 8p23.1.
Variant type: single nucleotide variant.
Coding change: c.1759A>G on transcript NM_024596.5 (MANE Select); coding-DNA position 1759, A replaced by G.
Protein change: p.Ile587Val; replaces isoleucine 587 with valine.
Molecular consequence: missense variant. On other transcripts: non-coding transcript variant (1).
Genome position (GRCh38, 1-based): chr8:6,445,481, A>G. VCF-style: chr8-6445481-A-G. GRCh37 (hg19) VCF-style: chr8-6303002-A-G.
Other names: c.1759A>G, p.Ile587Val (NM_001172574.2, NM_001322042.2, NM_001363979.1 and 1 more transcripts); c.1615A>G, p.Ile539Val (NM_001172575.2); c.1753A>G, p.Ile585Val (NM_001322043.2); c.1657A>G, p.Ile553Val (NM_001322045.2); short protein forms I587V, I539V, I585V, I553V.
Identifiers: ClinVar variation 379929 (VCV000379929.5), dbSNP rs372378731, ClinGen allele CA4610637.